The following is an entry in ClinVar:

ClinVar aggregate classification (germline): Benign/Likely benign. Review status: criteria provided, multiple submitters, no conflicts (2 of 4 stars). 3 submissions from 3 submitters: Benign (1); Likely benign (2). Last evaluated 2025-04-09.

Conditions:
Hereditary cancer-predisposing syndrome. Also called: Hereditary neoplastic syndrome; Neoplastic Syndromes, Hereditary; Hereditary Cancer Syndrome; Tumor predisposition. Identifiers: Orphanet 140162, MedGen C0027672, MeSH D009386, MONDO:0015356.
Hereditary leiomyomatosis and renal cell cancer. Also called: MULTIPLE CUTANEOUS AND UTERINE LEIOMYOMATA 1, WITH OR WITHOUT RENAL CELL CARCINOMA; LEIOMYOMA, MULTIPLE CUTANEOUS; Reed syndrome; Multiple cutaneous and uterine leiomyomatosis; Cutaneous leiomyomata with uterine leiomyomata; Leiomyoma, hereditary multiple, of skin. Identifiers: Orphanet 523, MedGen C1708350, MONDO:0007888, OMIM 150800, HP:0007437. Disease mechanism: loss of function.

Submissions (3):

Labcorp Genetics (formerly Invitae), Labcorp
Classification: Likely benign. Last evaluated: 2025-04-09. Review status: criteria provided, single submitter. Criteria: Invitae Variant Classification Sherloc (09022015). Collection method: clinical testing. Allele origin: germline.

Ambry Genetics
Classification: Likely benign for Hereditary cancer-predisposing syndrome. Last evaluated: 2025-02-15. Review status: criteria provided, single submitter. Criteria: Ambry Variant Classification Scheme 2023. Collection method: clinical testing. Allele origin: germline.

Myriad Genetics, Inc.
Classification: Benign for Hereditary leiomyomatosis and renal cell cancer. Last evaluated: 2024-10-18. Review status: criteria provided, single submitter. Criteria: Myriad Autosomal Dominant, Autosomal Recessive and X-Linked Classification Criteria (2023). Collection method: clinical testing. Allele origin: unknown.
Comment: This variant is considered benign. This variant is a silent/synonymous amino acid change and it is not expected to impact splicing.

NM_000143.4(FH):c.501T>C (p.Gly167=)

Gene: FH (fumarate hydratase; minus strand). Cytogenetic location: 1q43.
Variant type: single nucleotide variant.
Coding change: c.501T>C on transcript NM_000143.4 (MANE Select); coding-DNA position 501, T replaced by C.
Protein change: p.Gly167=; no amino-acid change (glycine 167 retained).
Molecular consequence: synonymous variant.
Genome position (GRCh38, 1-based): chr1:241,512,021, A>G on the plus strand (T>C on the coding strand, the complement: FH is on the minus strand). VCF-style: chr1-241512021-A-G. GRCh37 (hg19) VCF-style: chr1-241675321-A-G.
Identifiers: ClinVar variation 2109968 (VCV002109968.6), dbSNP rs2527332557, ClinGen allele CA424076285.